The following is an entry in ClinVar:

NM_016604.4(KDM3B):c.1276A>C (p.Thr426Pro)

Gene: KDM3B (lysine demethylase 3B; plus strand). Cytogenetic location: 5q31.2.
Variant type: single nucleotide variant.
Coding change: c.1276A>C on transcript NM_016604.4 (MANE Select); coding-DNA position 1276, A replaced by C.
Protein change: p.Thr426Pro; replaces threonine 426 with proline.
Molecular consequence: missense variant.
Genome position (GRCh38, 1-based): chr5:138,386,517, A>C. VCF-style: chr5-138386517-A-C. GRCh37 (hg19) VCF-style: chr5-137722206-A-C.
Other names: short protein forms T426P.
Identifiers: ClinVar variation 4874595 (VCV004874595.2).

ClinVar aggregate classification (germline): Uncertain significance (1 of 4 stars; one submission).

Submission:

CeGaT Center for Human Genetics Tuebingen
Classification: Uncertain significance. Last evaluated: 2026-04-01. Review status: criteria provided, single submitter. Criteria: CeGaT Center For Human Genetics Tuebingen Variant Classification Criteria Version 2. Collection method: clinical testing. Allele origin: germline. Affected: yes. Observed: 1 variant allele.
Comment: KDM3B: PM2, BP4